The following is an entry in ClinVar:

ClinVar aggregate classification (germline): Likely benign. Review status: criteria provided, multiple submitters, no conflicts (2 of 4 stars). 3 submissions from 3 submitters: Likely benign (2). 1 of the submissions does not count toward it. Last evaluated 2025-10-01.

Conditions:
PEX5-related disorder. Also called: PEX5-related condition; PEX5-Related Disorders.
Peroxisome biogenesis disorder 2B (PBD2B). Identifiers: Orphanet 44, MedGen C3550234, MONDO:0008736, OMIM 202370.

Allele frequency attached by ClinVar (database versions not stated): gnomAD 0.00002; TOPMed 0.00006; ESP Exome Variant Server 0.00008.
gnomAD v4.1: 41 of 1,614,066 alleles (0.0025%); highest among the groups gnomAD compares: Admixed American, 0.045%; no homozygotes.

Submissions (3):

Labcorp Genetics (formerly Invitae), Labcorp
Classification: Likely benign for Peroxisome biogenesis disorder 2B. Last evaluated: 2025-10-01. Review status: criteria provided, single submitter. Criteria: Invitae Variant Classification Sherloc (09022015). Collection method: clinical testing. Allele origin: germline.

Blueprint Genetics
Classification: Likely benign. Last evaluated: 2022-02-04. Review status: criteria provided, single submitter. Criteria: ACMG Guidelines, 2015. Collection method: clinical testing. Allele origin: germline.

PreventionGenetics, part of Exact Sciences
Classification: Likely benign for PEX5-related condition. Last evaluated: 2019-06-12. Review status: no assertion criteria provided. Collection method: clinical testing. Allele origin: germline. Not counted in ClinVar's aggregate classification.
Comment: This variant is classified as likely benign based on ACMG/AMP sequence variant interpretation guidelines (Richards et al. 2015 PMID: 25741868, with internal and published modifications).

NM_001351132.2(PEX5):c.63C>T (p.Ala21=)

Gene: PEX5 (peroxisomal biogenesis factor 5; plus strand). Cytogenetic location: 12p13.31.
Variant type: single nucleotide variant.
Coding change: c.63C>T on transcript NM_001351132.2 (MANE Select); coding-DNA position 63, C replaced by T.
Protein change: p.Ala21=; no amino-acid change (alanine 21 retained).
Molecular consequence: synonymous variant.
Genome position (GRCh38, 1-based): chr12:7,190,440, C>T. VCF-style: chr12-7190440-C-T. GRCh37 (hg19) VCF-style: chr12-7343036-C-T.
Other names: c.63C>T, p.Ala21= (NM_000319.5, NM_001131023.2, NM_001131024.2 and 22 more transcripts).
Identifiers: ClinVar variation 742982 (VCV000742982.12), dbSNP rs374590365, ClinGen allele CA6425984.